The following is an entry in ClinVar:

ClinVar aggregate classification (germline): Likely benign. Review status: criteria provided, multiple submitters, no conflicts (2 of 4 stars). 2 submissions from 2 submitters: Likely benign (2). Last evaluated 2025-11-25.

Allele frequency attached by ClinVar (database versions not stated): ExAC 0.00018; 1000 Genomes Project 0.00020; 1000 Genomes Project 30x 0.00031; TOPMed below 0.00001; gnomAD 0.00001 and 0.00003; gnomAD exomes 0.00007 and 0.00011; ESP Exome Variant Server 0.00008.
gnomAD v4.1: 82 of 1,268,464 alleles (0.0065%); highest among the groups gnomAD compares: South Asian, 0.073%; no homozygotes.

Submissions (2):

Labcorp Genetics (formerly Invitae), Labcorp
Classification: Likely benign. Last evaluated: 2025-11-25. Review status: criteria provided, single submitter. Criteria: Invitae Variant Classification Sherloc (09022015). Collection method: clinical testing. Allele origin: germline.

GeneDx
Classification: Likely benign. Last evaluated: 2016-12-22. Review status: criteria provided, single submitter. Criteria: GeneDx Variant Classification (06012015). Collection method: clinical testing. Allele origin: germline. Affected: yes.
Comment: This variant is considered likely benign or benign based on one or more of the following criteria: it is a conservative change, it occurs at a poorly conserved position in the protein, it is predicted to be benign by multiple in silico algorithms, and/or has population frequency not consistent with disease.

NM_133259.4(LRPPRC):c.1582+20G>A

Gene: LRPPRC (leucine rich pentatricopeptide repeat containing; minus strand). Cytogenetic location: 2p21.
Variant type: single nucleotide variant.
Coding change: c.1582+20G>A on transcript NM_133259.4 (MANE Select); 20 bases into the intron after coding-DNA position 1582, G replaced by A.
Molecular consequence: intron variant.
Genome position (GRCh38, 1-based): chr2:43,960,521, C>T on the plus strand (G>A on the coding strand, the complement: LRPPRC is on the minus strand). VCF-style: chr2-43960521-C-T. GRCh37 (hg19) VCF-style: chr2-44187660-C-T.
Identifiers: ClinVar variation 391668 (VCV000391668.4), dbSNP rs373269119, ClinGen allele CA1638914.
Genomic context (GRCh38, chr2:43,960,521, plus strand): 5'-TTGCGTGAACCACCCTGCATGCCCTCAATAGTAACTGAAATAAACATCTATCAAGTTTAC[C>T]GCTAATGTTGTATACTTACAAAATGATAATACAAAGTCTAAGTTCCCATTTGCTGCTTCA-3'